The following is an entry in ClinVar:

ClinVar aggregate classification (germline): Pathogenic (0 of 4 stars; one submission).

Conditions:
Hermansky-Pudlak syndrome 8 (HPS8). Identifiers: Orphanet 79430, MedGen C3888026, MONDO:0013560, OMIM 614077.

Submission:

Laboratoire de Génétique Moléculaire, CHU Bordeaux
Classification: Pathogenic for Hermansky-Pudlak syndrome 8. Last evaluated: 2020-03-30. Review status: no assertion criteria provided. Collection method: clinical testing. Allele origin: germline. Inheritance: Autosomal recessive inheritance. Affected: yes. Observed: 1 homozygote.
Comment: Upon ophthalmological examination, retinal hypopigmentation was observed. Visual evoked potentials, electroretinography and optic coherence tomography could not be performed. NGS found a homozygous 4 bp frameshift deletion in the coding sequence of BLOC1S3, NM_212550.3: c.338_341del (p.(Leu113Argfs*15). This deletion is reported once, at heterozygous state, in the GnomAD database. ACMG Classification is in favor of a pathogenic variant (PVS1, PM2, PP1).

NM_212550.5(BLOC1S3):c.338_341del (p.Leu113fs)

Gene: BLOC1S3 (biogenesis of lysosomal organelles complex 1 subunit 3; plus strand). Cytogenetic location: 19q13.32.
Variant type: Deletion.
Coding change: c.338_341del on transcript NM_212550.5 (MANE Select); coding-DNA positions 338 to 341, 4 bases deleted (TGGC; older notation c.338_341delTGGC).
Protein change: p.Leu113fs; shifts the reading frame from leucine 113.
Molecular consequence: frameshift variant.
Genome position (GRCh38, 1-based): chr19:45,179,634-45,179,637, TGGC deleted; deleting any 4 consecutive bases within chr19:45,179,631-45,179,637 gives the same sequence; the c. name uses the placement nearest the transcript's 3' end. VCF-style (leftmost placement, unchanged base first): chr19-45179630-CGGCT-C. GRCh37 (hg19) VCF-style: chr19-45682888-CGGCT-C.
Other names: short protein forms L113fs.
Identifiers: ClinVar variation 870630 (VCV000870630.2), dbSNP rs1568469902, ClinGen allele CA633479476.